The following is an entry in ClinVar:

ClinVar aggregate classification (germline): Benign. Review status: criteria provided, multiple submitters, no conflicts (2 of 4 stars). 3 submissions from 2 submitters: Benign (3). Last evaluated 2018-01-13.

Conditions:
Hypertrophic osteoarthropathy, primary, autosomal recessive, 1 (PHOAR1). Also called: PHO, AUTOSOMAL RECESSIVE. Identifiers: Orphanet 1525, Orphanet 2796, MedGen C4551679, MONDO:0024546, OMIM 259100.
Isolated congenital digital clubbing. Also called: ACROPACHY, HEREDITARY; CLUBBING OF DIGITS. Identifiers: Orphanet 217059, MedGen C0345408, MONDO:0007343, OMIM 119900.

Allele frequency attached by ClinVar (database versions not stated): 1000 Genomes Project 30x 0.75375; 1000 Genomes Project 0.75539; gnomAD exomes 0.77941; TOPMed 0.78331; gnomAD 0.78499 and 0.79043.
gnomAD v4.1: 119,023 of 151,706 alleles (78%); highest among the groups gnomAD compares: East Asian, 82%; 46,873 homozygotes.

Submissions (3):

Illumina Laboratory Services, Illumina
Classification: Benign for Isolated congenital digital clubbing. Last evaluated: 2018-01-13. Review status: criteria provided, single submitter. Criteria: ICSL Variant Classification Criteria 13 December 2019. Collection method: clinical testing. Allele origin: germline.
Comment: This variant was observed in the ICSL laboratory as part of a predisposition screen in an ostensibly healthy population. It had not been previously curated by ICSL or reported in the Human Gene Mutation Database (HGMD: prior to June 1st, 2018), and was therefore a candidate for classification through an automated scoring system. Utilizing variant allele frequency, disease prevalence and penetrance estimates, and inheritance mode, an automated score was calculated to assess if this variant is too frequent to cause the disease. Based on the score and internal cut-off values, a variant classified as benign is not then subjected to further curation. The score for this variant resulted in a classification of benign for this disease.

Illumina Laboratory Services, Illumina
Classification: Benign for Hypertrophic osteoarthropathy, primary, autosomal recessive, 1. Last evaluated: 2018-01-13. Review status: criteria provided, single submitter. Criteria: ICSL Variant Classification Criteria 13 December 2019. Collection method: clinical testing. Allele origin: germline.
Comment: the same text as in the submission from Illumina Laboratory Services, Illumina above.

Breakthrough Genomics
Classification: Benign. Review status: criteria provided, single submitter. Criteria: ACMG Guidelines, 2015. Collection method: not provided. Allele origin: germline. Inheritance: Autosomal recessive inheritance. Affected: yes.

NM_000860.6(HPGD):c.*1726C>T

Gene: HPGD (15-hydroxyprostaglandin dehydrogenase; minus strand). Cytogenetic location: 4q34.1.
Variant type: single nucleotide variant.
Coding change: c.*1726C>T on transcript NM_000860.6 (MANE Select); 1726 bases downstream of the stop codon, C replaced by T.
Molecular consequence: 3 prime UTR variant.
Genome position (GRCh38, 1-based): chr4:174,490,230, G>A on the plus strand (C>T on the coding strand, the complement: HPGD is on the minus strand). VCF-style: chr4-174490230-G-A. GRCh37 (hg19) VCF-style: chr4-175411381-G-A.
Other names: c.*1826C>T (NM_001145816.3); c.*1726C>T (NM_001256301.1, NM_001256306.2, NM_001256307.2); c.*1854C>T (NM_001256305.2).
Identifiers: ClinVar variation 348168 (VCV000348168.6), dbSNP rs2612691, ClinGen allele CA10617412.